The following is an entry in ClinVar:

ClinVar aggregate classification (germline): Benign (0 of 4 stars; one submission).

Conditions:
PREX2-related disorder. Also called: PREX2-related condition.

Allele frequency attached by ClinVar (database versions not stated): gnomAD exomes 0.00064; ExAC 0.00297; 1000 Genomes Project 30x 0.00593; 1000 Genomes Project 0.00619; gnomAD 0.00659; TOPMed 0.00714; ESP Exome Variant Server 0.00800.
gnomAD v4.1: 1,997 of 1,609,298 alleles (0.12%); highest among the groups gnomAD compares: African/African-American, 2.3%; 31 homozygotes.

Submission:

PreventionGenetics, part of Exact Sciences
Classification: Benign for PREX2-related condition. Last evaluated: 2019-03-06. Review status: no assertion criteria provided. Collection method: clinical testing. Allele origin: germline.
Comment: This variant is classified as benign based on ACMG/AMP sequence variant interpretation guidelines (Richards et al. 2015 PMID: 25741868, with internal and published modifications).

NM_024870.4(PREX2):c.96G>A (p.Gln32=)

Gene: PREX2 (phosphatidylinositol-3,4,5-trisphosphate dependent Rac exchange factor 2; plus strand). Cytogenetic location: 8q13.2.
Variant type: single nucleotide variant.
Coding change: c.96G>A on transcript NM_024870.4 (MANE Select); coding-DNA position 96, G replaced by A.
Protein change: p.Gln32=; no amino-acid change (glutamine 32 retained).
Molecular consequence: synonymous variant.
Genome position (GRCh38, 1-based): chr8:67,952,490, G>A. VCF-style: chr8-67952490-G-A. GRCh37 (hg19) VCF-style: chr8-68864725-G-A.
Other names: c.96G>A, p.Gln32= (NM_025170.6).
Identifiers: ClinVar variation 3049918 (VCV003049918.2), dbSNP rs114174763, ClinGen allele CA4773165.